The following is an entry in ClinVar:

NC_000005.9:g.(?_138608441)_(138668366_?)del

Genes: MATR3 (matrin 3; plus strand), SNHG4 (small nucleolar RNA host gene 4; plus strand). Cytogenetic location: 5q31.2.
Variant type: Deletion.
Identifiers: ClinVar variation 1434741 (VCV001434741.6).

ClinVar aggregate classification (germline): Uncertain significance (1 of 4 stars; one submission).

Conditions:
Amyotrophic lateral sclerosis type 21. Also called: VOCAL CORD AND PHARYNGEAL DYSFUNCTION WITH DISTAL MYOPATHY; MYOPATHY, DISTAL, 2. Identifiers: Orphanet 600, Orphanet 803, MedGen C3807521, MONDO:0011632, OMIM 606070.

Submission:

Labcorp Genetics (formerly Invitae), Labcorp
Classification: Uncertain significance for Amyotrophic lateral sclerosis type 21. Last evaluated: 2021-03-19. Review status: criteria provided, single submitter. Criteria: Invitae Variant Classification Sherloc (09022015). Collection method: clinical testing. Allele origin: germline.
Comment: In summary, the available evidence is currently insufficient to determine the role of this variant in disease. Therefore, it has been classified as a Variant of Uncertain Significance. This variant has not been reported in the literature in individuals with MATR3-related conditions. A gross deletion of the genomic region encompassing the full coding sequence of the MATR3 gene has been identified. The current clinical and genetic evidence is not sufficient to establish whether loss-of-function variants in MATR3 cause disease. The boundaries of this event are unknown as they extend beyond the assayed region for this gene and therefore may encompass additional genes.